The following is an entry in ClinVar:

ClinVar aggregate classification (germline): Uncertain significance (1 of 4 stars; one submission).

Allele frequency attached by ClinVar (database versions not stated): gnomAD 0.00001; gnomAD exomes 0.00001; TOPMed 0.00002; ExAC 0.00004.
gnomAD v4.1: 18 of 1,598,280 alleles (0.0011%); highest among the groups gnomAD compares: Middle Eastern, 0.035%; no homozygotes.

Submission:

Labcorp Genetics (formerly Invitae), Labcorp
Classification: Uncertain significance. Last evaluated: 2025-01-08. Review status: criteria provided, single submitter. Criteria: Invitae Variant Classification Sherloc (09022015). Collection method: clinical testing. Allele origin: germline.
Comment: This sequence change replaces alanine, which is neutral and non-polar, with valine, which is neutral and non-polar, at codon 539 of the CLCN7 protein (p.Ala539Val). The frequency data for this variant in the population databases is considered unreliable, as metrics indicate poor data quality at this position in the gnomAD database. This variant has not been reported in the literature in individuals affected with CLCN7-related conditions. ClinVar contains an entry for this variant (Variation ID: 1902451). An algorithm developed to predict the effect of missense changes on protein structure and function (PolyPhen-2) suggests that this variant is likely to be tolerated. In summary, the available evidence is currently insufficient to determine the role of this variant in disease. Therefore, it has been classified as a Variant of Uncertain Significance.

NM_001287.6(CLCN7):c.1616C>T (p.Ala539Val)

Gene: CLCN7 (chloride voltage-gated channel 7; minus strand). Cytogenetic location: 16p13.3.
Variant type: single nucleotide variant.
Coding change: c.1616C>T on transcript NM_001287.6 (MANE Select); coding-DNA position 1616, C replaced by T.
Protein change: p.Ala539Val; replaces alanine 539 with valine.
Molecular consequence: missense variant.
Genome position (GRCh38, 1-based): chr16:1,450,498, G>A on the plus strand (C>T on the coding strand, the complement: CLCN7 is on the minus strand). VCF-style: chr16-1450498-G-A. GRCh37 (hg19) VCF-style: chr16-1500499-G-A.
Other names: c.1544C>T, p.Ala515Val (NM_001114331.3); short protein forms A515V, A539V.
Identifiers: ClinVar variation 1902451 (VCV001902451.5), dbSNP rs773580982, ClinGen allele CA7810161.